The following is an entry in ClinVar:

ClinVar aggregate classification (germline): Conflicting classifications of pathogenicity. Review status: criteria provided, conflicting classifications (1 of 4 stars). 13 submissions from 13 submitters: Uncertain significance (3); Benign (1); Likely benign (8). 1 of the submissions does not count toward it. Last evaluated 2026-09-01.

Conditions:
RET-related disorder. Also called: RET-related condition; RET-related disease; RET-related disorders.
Hereditary cancer-predisposing syndrome. Also called: Neoplastic Syndromes, Hereditary; Hereditary neoplastic syndrome; Hereditary Cancer Syndrome; Tumor predisposition. Identifiers: Orphanet 140162, MedGen C0027672, MeSH D009386, MONDO:0015356.
Multiple endocrine neoplasia, type 2 (MEN2). Identifiers: Orphanet 653, MedGen C4048306, MONDO:0019003. Disease mechanism: gain of function.
Multiple endocrine neoplasia type 2A. Also called: Multiple Endocrine Neoplasia Type 2A (MEN2A); MULTIPLE ENDOCRINE NEOPLASIA, TYPE IIA; PTC SYNDROME; SIPPLE SYNDROME; MEN 2A; MEN-2A syndrome. Identifiers: Orphanet 247698, Orphanet 653, MedGen C0025268, MeSH D018813, MONDO:0008234, OMIM 171400.
Pheochromocytoma. Also called: MAX-Related Hereditary Paraganglioma-Pheochromocytoma Syndrome. Identifiers: Orphanet 29072, MedGen C0031511, MONDO:0008233, OMIM 171300, HP:0002666.

Allele frequency attached by ClinVar (database versions not stated): 1000 Genomes Project 0.00020; gnomAD 0.00019; TOPMed 0.00020; 1000 Genomes Project 30x 0.00016; gnomAD exomes 0.00027; ExAC 0.00032.
gnomAD v4.1: 141 of 1,601,146 alleles (0.0088%); highest among the groups gnomAD compares: Admixed American, 0.14%; no homozygotes.

Submissions (13):

CeGaT Center for Human Genetics Tuebingen
Classification: Likely benign. Last evaluated: 2026-09-01. Review status: criteria provided, single submitter. Criteria: CeGaT Center For Human Genetics Tuebingen Variant Classification Criteria Version 2. Collection method: clinical testing. Allele origin: germline. Affected: yes. Observed: 4 variant alleles.
Comment: RET: BS1

OLLIN Analises Genomicas, OLLIN
Classification: Uncertain significance for Pheochromocytoma. Last evaluated: 2026-08-06. Review status: criteria provided, single submitter. Criteria: ACMG Guidelines 2015 PMID 25741868. Collection method: clinical testing. Allele origin: germline. Inheritance: Autosomal dominant inheritance.
Comment: This missense variant, located in exon 8 (of 20), has been reported in ClinVar (accession VCV000024882.31) and in gnomAD with an allele frequency of 0.0088%. However, to our knowledge, it has not been reported in the scientific literature. In silico analysis is inconclusive regarding the impact of this variant. According to the currently available evidence, this variant has been classified as uncertain significance (BS1).

Labcorp Genetics (formerly Invitae), Labcorp
Classification: Likely benign for Multiple endocrine neoplasia, type 2. Last evaluated: 2026-02-03. Review status: criteria provided, single submitter. Criteria: Invitae Variant Classification Sherloc (09022015). Collection method: clinical testing. Allele origin: germline.

Center for Genomic Medicine, Rigshospitalet, Copenhagen University Hospital
Classification: Uncertain significance. Last evaluated: 2025-12-29. Review status: criteria provided, single submitter. Criteria: ACMG Guidelines, 2015. Collection method: clinical testing. Allele origin: germline.

Myriad Genetics, Inc.
Classification: Likely benign for Multiple endocrine neoplasia type 2A. Last evaluated: 2025-02-25. Review status: criteria provided, single submitter. Criteria: Myriad Autosomal Dominant, Autosomal Recessive and X-Linked Classification Criteria (2023). Collection method: clinical testing. Allele origin: unknown.
Comment: This variant is considered likely benign. This variant has been observed at a population frequency that is significantly greater than expected given the associated disease prevalence and penetrance.

Blueprint Genetics
Classification: Likely benign. Last evaluated: 2024-11-20. Review status: criteria provided, single submitter. Criteria: ACMG Guidelines, 2015. Collection method: clinical testing. Allele origin: germline.

All of Us Research Program, National Institutes of Health
Classification: Likely benign for Multiple endocrine neoplasia, type 2. Last evaluated: 2024-09-23. Review status: criteria provided, single submitter. Criteria: ACMG Guidelines, 2015. Collection method: clinical testing. Allele origin: germline. Inheritance: Autosomal dominant inheritance. Observed: 44 variant alleles, 44 heterozygotes.
Comment: This study involves interpretation of variants in research participants for the purpose of population health screening. Participant phenotype was not available at the time of variant classification. Additional details can be found in publication PMID: 35346344, PMCID: PMC8962531

Color Diagnostics, LLC DBA Color Health
Classification: Likely benign for Multiple endocrine neoplasia, type 2. Last evaluated: 2022-10-19. Review status: criteria provided, single submitter. Criteria: ACMG Guidelines, 2015. Collection method: clinical testing. Allele origin: germline.

Sema4
Classification: Uncertain significance for Hereditary cancer-predisposing syndrome. Last evaluated: 2021-10-25. Review status: criteria provided, single submitter. Criteria: Sema4 Curation Guidelines. Collection method: curation. Allele origin: germline.
Comment: The RET c.1529C>T (p.A510V) missense variant has been reported in at least 4 individuals with medullary thyroid cancer and pheochromocytoma (PMIDs 30877234, 20103606, 28946813). This variant was observed in 53/33412 chromosomes in the Latino population according to the Genome Aggregation Database (PMID: PMID: 32461654). This variant has been reported in ClinVar (Variation ID 24882). A functional study utilizing in-vitro assays suggests that this variant increased ERK phosphorylation activity of the RET protein compared to wildtype, indicating an oncogenic potential (PMID 20103606). In silico tools suggest the impact of the variant on protein function is inconclusive. The overall evidence is insufficient to meet ACMG/AMP criteria for classifying it as benign or pathogenic. In summary, the clinical significance of this variant is currently uncertain.

GeneDx
Classification: Likely benign. Last evaluated: 2021-04-22. Review status: criteria provided, single submitter. Criteria: GeneDx Variant Classification Process June 2021. Collection method: clinical testing. Allele origin: germline. Affected: yes.
Comment: In silico analysis supports that this missense variant does not alter protein structure/function; This variant is associated with the following publications: (PMID: 30877234, 21479187, 28946813, 20103606, 21834681, 25725622)

Ambry Genetics
Classification: Likely benign for Hereditary cancer-predisposing syndrome. Last evaluated: 2021-02-01. Review status: criteria provided, single submitter. Criteria: Ambry Variant Classification Scheme 2023. Collection method: clinical testing. Allele origin: germline.

Mendelics
Classification: Benign for Multiple endocrine neoplasia, type 2a. Last evaluated: 2018-07-02. Review status: criteria provided, single submitter. Criteria: Mendelics Assertion Criteria 2017. Collection method: clinical testing. Allele origin: unknown.

PreventionGenetics, part of Exact Sciences
Classification: Likely benign for RET-related condition. Last evaluated: 2023-03-15. Review status: no assertion criteria provided. Collection method: clinical testing. Allele origin: germline. Not counted in ClinVar's aggregate classification.
Comment: This variant is classified as likely benign based on ACMG/AMP sequence variant interpretation guidelines (Richards et al. 2015 PMID: 25741868, with internal and published modifications).

Literature cited by the submitters: PubMed 20103606 (cited by Center for Genomic Medicine, Rigshospitalet, Copenhagen University Hospital and Sema4); PubMed 36251279 (cited by Center for Genomic Medicine, Rigshospitalet, Copenhagen University Hospital); PubMed 26580448 (cited by Ambry Genetics); PubMed 28946813 (cited by Ambry Genetics); PubMed 30877234 (cited by Ambry Genetics).

NM_020975.6(RET):c.1529C>T (p.Ala510Val)

Gene: RET (ret proto-oncogene; plus strand). Cytogenetic location: 10q11.21.
Variant type: single nucleotide variant.
Coding change: c.1529C>T on transcript NM_020975.6 (MANE Select); coding-DNA position 1529, C replaced by T.
Protein change: p.Ala510Val; replaces alanine 510 with valine.
Molecular consequence: missense variant.
Genome position (GRCh38, 1-based): chr10:43,112,105, C>T. VCF-style: chr10-43112105-C-T. GRCh37 (hg19) VCF-style: chr10-43607553-C-T.
Other names: c.1529C>T, p.Ala510Val (NM_000323.2, NM_001406743.1, NM_001406744.1 and 6 more transcripts); c.767C>T, p.Ala256Val (NM_001355216.2); c.1400C>T, p.Ala467Val (NM_001406761.1, NM_001406762.1, NM_001406764.1 and 1 more transcripts); c.1241C>T, p.Ala414Val (NM_001406766.1, NM_001406767.1, NM_001406770.1); c.1133C>T, p.Ala378Val (NM_001406769.1, NM_001406772.1); c.1091C>T, p.Ala364Val (NM_001406771.1, NM_001406773.1); c.1004C>T, p.Ala335Val (NM_001406774.1); c.803C>T, p.Ala268Val (NM_001406775.1, NM_001406776.1, NM_001406777.1 and 1 more transcripts); and 5 more; short protein forms A256V, A211V, A335V, A467V, A115V, A168V, A180V, A27V.
Identifiers: ClinVar variation 24882 (VCV000024882.34), dbSNP rs201745826, ClinGen allele CA007606.